The following is an entry in ClinVar:

ClinVar aggregate classification (germline): Benign. Review status: criteria provided, multiple submitters, no conflicts (2 of 4 stars). 3 submissions from 3 submitters: Benign (3). Last evaluated 2021-05-18.

Conditions:
Ceroid lipofuscinosis, neuronal, 4 (Kufs type) (CLN4). Also called: Neuronal ceroid lipofuscinosis 4B; Ceroid lipofuscinosis, neuronal, 4, Parry type. Identifiers: Orphanet 228343, Orphanet 79262, MedGen C1834207, MONDO:0008083, OMIM 162350.

Allele frequency attached by ClinVar (database versions not stated): gnomAD 0.08133 and 0.08172; TOPMed 0.08331; 1000 Genomes Project 0.08746; 1000 Genomes Project 30x 0.08823; gnomAD exomes 0.10000.
gnomAD v4.1: 12,487 of 152,370 alleles (8.2%); highest among the groups gnomAD compares: East Asian, 13%; 554 homozygotes.

Submissions (3):

GeneDx
Classification: Benign. Last evaluated: 2021-05-18. Review status: criteria provided, single submitter. Criteria: GeneDx Variant Classification Process June 2021. Collection method: clinical testing. Allele origin: germline. Affected: yes.

Illumina Laboratory Services, Illumina
Classification: Benign for Ceroid lipofuscinosis, neuronal, 4 (Kufs type). Last evaluated: 2018-01-13. Review status: criteria provided, single submitter. Criteria: ICSL Variant Classification Criteria 13 December 2019. Collection method: clinical testing. Allele origin: germline.
Comment: This variant was observed in the ICSL laboratory as part of a predisposition screen in an ostensibly healthy population. It had not been previously curated by ICSL or reported in the Human Gene Mutation Database (HGMD: prior to June 1st, 2018), and was therefore a candidate for classification through an automated scoring system. Utilizing variant allele frequency, disease prevalence and penetrance estimates, and inheritance mode, an automated score was calculated to assess if this variant is too frequent to cause the disease. Based on the score and internal cut-off values, a variant classified as benign is not then subjected to further curation. The score for this variant resulted in a classification of benign for this disease.

Breakthrough Genomics
Classification: Benign. Review status: criteria provided, single submitter. Criteria: ACMG Guidelines, 2015. Collection method: not provided. Allele origin: germline. Inheritance: Autosomal dominant inheritance. Affected: yes.

NM_025219.3(DNAJC5):c.*2701C>T

Gene: DNAJC5 (DnaJ heat shock protein family (Hsp40) member C5; plus strand). Cytogenetic location: 20q13.33.
Variant type: single nucleotide variant.
Coding change: c.*2701C>T on transcript NM_025219.3 (MANE Select); 2701 bases downstream of the stop codon, C replaced by T.
Molecular consequence: 3 prime UTR variant.
Genome position (GRCh38, 1-based): chr20:63,934,269, C>T. VCF-style: chr20-63934269-C-T. GRCh37 (hg19) VCF-style: chr20-62565622-C-T.
Identifiers: ClinVar variation 339408 (VCV000339408.7), dbSNP rs3206771, ClinGen allele CA10653406.